The following is an entry in ClinVar:

ClinVar aggregate classification (germline): Uncertain significance (1 of 4 stars; one submission).

Submission:

Labcorp Genetics (formerly Invitae), Labcorp
Classification: Uncertain significance. Last evaluated: 2023-12-15. Review status: criteria provided, single submitter. Criteria: Invitae Variant Classification Sherloc (09022015). Collection method: clinical testing. Allele origin: germline.
Comment: This sequence change replaces glutamic acid, which is acidic and polar, with aspartic acid, which is acidic and polar, at codon 546 of the PDE4D protein (p.Glu546Asp). This variant is not present in population databases (gnomAD no frequency). This variant has not been reported in the literature in individuals affected with PDE4D-related conditions. Advanced modeling of protein sequence and biophysical properties (such as structural, functional, and spatial information, amino acid conservation, physicochemical variation, residue mobility, and thermodynamic stability) performed at Invitae indicates that this missense variant is not expected to disrupt PDE4D protein function with a negative predictive value of 80%. In summary, the available evidence is currently insufficient to determine the role of this variant in disease. Therefore, it has been classified as a Variant of Uncertain Significance.

NM_001104631.2(PDE4D):c.1638A>C (p.Glu546Asp)

Gene: PDE4D (phosphodiesterase 4D; minus strand). Cytogenetic location: 5q11.2.
Variant type: single nucleotide variant.
Coding change: c.1638A>C on transcript NM_001104631.2 (MANE Select); coding-DNA position 1638, A replaced by C.
Protein change: p.Glu546Asp; replaces glutamic acid 546 with aspartic acid.
Molecular consequence: missense variant.
Genome position (GRCh38, 1-based): chr5:58,977,260, T>G on the plus strand (A>C on the coding strand, the complement: PDE4D is on the minus strand). VCF-style: chr5-58977260-T-G. GRCh37 (hg19) VCF-style: chr5-58273087-T-G.
Other names: c.1455A>C, p.Glu485Asp (NM_001165899.2, NM_001364599.1); c.1446A>C, p.Glu482Asp (NM_001197218.2); c.1272A>C, p.Glu424Asp (NM_001197219.2); c.1248A>C, p.Glu416Asp (NM_001197220.2); c.732A>C, p.Glu244Asp (NM_001197221.2, NM_001364603.1); c.966A>C, p.Glu322Asp (NM_001197222.2); c.765A>C, p.Glu255Asp (NM_001197223.2); c.1425A>C, p.Glu475Asp (NM_001349241.2); and 3 more; short protein forms E255D, E416D, E485D, E546D, E244D, E322D, E475D, E410D.
Identifiers: ClinVar variation 2701691 (VCV002701691.3), dbSNP rs2479178956, ClinGen allele CA359815470.